The following is an entry in ClinVar:

ClinVar aggregate classification (germline): Uncertain significance. Review status: criteria provided, multiple submitters, no conflicts (2 of 4 stars). 3 submissions from 3 submitters: Uncertain significance (3). Last evaluated 2025-05-05.

Conditions:
Inborn genetic diseases. Identifiers: MedGen C0950123, MeSH D030342.
Facioscapulohumeral muscular dystrophy 2 (FSHD2). Also called: MUSCULAR DYSTROPHY, FACIOSCAPULOHUMERAL, TYPE 1B; FACIOSCAPULOHUMERAL MUSCULAR DYSTROPHY 2, DIGENIC; FSHD2, DIGENIC. Identifiers: Orphanet 269, MedGen C1834671, MONDO:0008031, OMIM 158901.

Allele frequency attached by ClinVar (database versions not stated): gnomAD 0.00001; gnomAD exomes 0.00001 and 0.00003; TOPMed 0.00001.

Submissions (3):

Labcorp Genetics (formerly Invitae), Labcorp
Classification: Uncertain significance for Facioscapulohumeral muscular dystrophy 2. Last evaluated: 2025-05-05. Review status: criteria provided, single submitter. Criteria: Invitae Variant Classification Sherloc (09022015). Collection method: clinical testing. Allele origin: germline.
Comment: This sequence change replaces arginine, which is basic and polar, with glutamine, which is neutral and polar, at codon 363 of the SMCHD1 protein (p.Arg363Gln). The frequency data for this variant in the population databases is considered unreliable, as metrics indicate poor data quality at this position in the gnomAD database. This variant has not been reported in the literature in individuals affected with SMCHD1-related conditions. ClinVar contains an entry for this variant (Variation ID: 1404780). Invitae Evidence Modeling of protein sequence and biophysical properties (such as structural, functional, and spatial information, amino acid conservation, physicochemical variation, residue mobility, and thermodynamic stability) indicates that this missense variant is not expected to disrupt SMCHD1 protein function with a negative predictive value of 80%. In summary, the available evidence is currently insufficient to determine the role of this variant in disease. Therefore, it has been classified as a Variant of Uncertain Significance.

Ambry Genetics
Classification: Uncertain significance for Inborn genetic diseases. Last evaluated: 2024-02-28. Review status: criteria provided, single submitter. Criteria: Ambry Variant Classification Scheme 2023. Collection method: clinical testing. Allele origin: germline.

Revvity Omics, Revvity
Classification: Uncertain significance. Last evaluated: 2020-09-24. Review status: criteria provided, single submitter. Criteria: ACMG Guidelines, 2015. Collection method: clinical testing. Allele origin: germline.

NM_015295.3(SMCHD1):c.1088G>A (p.Arg363Gln)

Gene: SMCHD1 (structural maintenance of chromosomes flexible hinge domain containing 1; plus strand). Cytogenetic location: 18p11.32.
Variant type: single nucleotide variant.
Coding change: c.1088G>A on transcript NM_015295.3 (MANE Select); coding-DNA position 1088, G replaced by A.
Protein change: p.Arg363Gln; replaces arginine 363 with glutamine.
Molecular consequence: missense variant.
Genome position (GRCh38, 1-based): chr18:2,697,079, G>A. VCF-style: chr18-2697079-G-A. GRCh37 (hg19) VCF-style: chr18-2697077-G-A.
Other names: c.1088G>A (NM_015295.2); short protein forms R363Q.
Identifiers: ClinVar variation 1404780 (VCV001404780.11), dbSNP rs1424377867, ClinGen allele CA401696351.